The following is an entry in ClinVar:

NM_001371904.1(APOA5):c.556C>A (p.Arg186Ser)

Gene: APOA5 (apolipoprotein A5; minus strand). Cytogenetic location: 11q23.3.
Variant type: single nucleotide variant.
Coding change: c.556C>A on transcript NM_001371904.1 (MANE Select); coding-DNA position 556, C replaced by A.
Protein change: p.Arg186Ser; replaces arginine 186 with serine.
Molecular consequence: missense variant.
Genome position (GRCh38, 1-based): chr11:116,790,673, G>T on the plus strand (C>A on the coding strand, the complement: APOA5 is on the minus strand). VCF-style: chr11-116790673-G-T. GRCh37 (hg19) VCF-style: chr11-116661389-G-T.
Other names: c.556C>A, p.Arg186Ser (NM_001166598.2, NM_052968.5); short protein forms R186S.
Identifiers: ClinVar variation 2114736 (VCV002114736.4), dbSNP rs1271898776, ClinGen allele CA382738132.
Genomic context (GRCh38, chr11:116,790,673, plus strand): 5'-CGTGGCGCCCGATGCCGCTCACCAGGCTCTCGGCGTATGGGTGGAAGAGCTCTTTGAAGC[G>T]GCCGGTGTGGTGCACCACGCGGCTCTGCAGTCCCTGCAGCAAAGCCCAAGCCTCGTCCAC-3'
Protein context (NP_001358833.1, residues 176-196): LQSRVVHHTG[Arg186Ser]FKELFHPYAE

ClinVar aggregate classification (germline): Uncertain significance (1 of 4 stars; one submission).

Submission:

Labcorp Genetics (formerly Invitae), Labcorp
Classification: Uncertain significance. Last evaluated: 2022-03-19. Review status: criteria provided, single submitter. Criteria: Invitae Variant Classification Sherloc (09022015). Collection method: clinical testing. Allele origin: germline.
Comment: This variant is not present in population databases (gnomAD no frequency). This variant has not been reported in the literature in individuals affected with APOA5-related conditions. Algorithms developed to predict the effect of missense changes on protein structure and function are either unavailable or do not agree on the potential impact of this missense change (SIFT: "Deleterious"; PolyPhen-2: "Probably Damaging"; Align-GVGD: "Class C15"). In summary, the available evidence is currently insufficient to determine the role of this variant in disease. Therefore, it has been classified as a Variant of Uncertain Significance. This sequence change replaces arginine, which is basic and polar, with serine, which is neutral and polar, at codon 186 of the APOA5 protein (p.Arg186Ser).